The following is an entry in ClinVar:

NM_000256.3(MYBPC3):c.1822C>G (p.Pro608Ala)

Gene: MYBPC3 (myosin binding protein C3; minus strand). Cytogenetic location: 11p11.2.
Variant type: single nucleotide variant.
Coding change: c.1822C>G on transcript NM_000256.3 (MANE Select); coding-DNA position 1822, C replaced by G.
Protein change: p.Pro608Ala; replaces proline 608 with alanine.
Molecular consequence: missense variant.
Genome position (GRCh38, 1-based): chr11:47,341,213, G>C on the plus strand (C>G on the coding strand, the complement: MYBPC3 is on the minus strand). VCF-style: chr11-47341213-G-C. GRCh37 (hg19) VCF-style: chr11-47362764-G-C.
Other names: short protein forms P608A.
Identifiers: ClinVar variation 879039 (VCV000879039.14), dbSNP rs730880552, ClinGen allele CA380323980.

ClinVar aggregate classification (germline): Uncertain significance. Review status: criteria provided, multiple submitters, no conflicts (2 of 4 stars). 5 submissions from 4 submitters: Uncertain significance (5). Last evaluated 2025-09-23.

Conditions:
Hypertrophic cardiomyopathy 4. Also called: Familial hypertrophic cardiomyopathy 4. Identifiers: MedGen C1861862, MONDO:0007268, OMIM 115197.
Cardiomyopathy (CMYO). Also called: Cardiomyopathies. Identifiers: Orphanet 167848, MedGen C0878544, MONDO:0004994, HP:0001638. Inheritance: Various modes of inheritance.
Cardiovascular phenotype. Identifiers: MedGen CN230736.
Hypertrophic cardiomyopathy. Also called: HYPERTROPHIC MYOCARDIOPATHY. Identifiers: Orphanet 217569, MedGen C0007194, MeSH D002312, MONDO:0005045, HP:0001639.
Left ventricular noncompaction 10 (LVNC10). Identifiers: Orphanet 154, Orphanet 54260, MedGen C3715165, MONDO:0014163, OMIM 615396.

gnomAD v4.1: 1 of 1,596,576 alleles (0.000063%); highest among the groups gnomAD compares: East Asian, 0.0023%; no homozygotes.

Submissions (5):

Labcorp Genetics (formerly Invitae), Labcorp
Classification: Uncertain significance for Hypertrophic cardiomyopathy. Last evaluated: 2025-09-23. Review status: criteria provided, single submitter. Criteria: Invitae Variant Classification Sherloc (09022015). Collection method: clinical testing. Allele origin: germline.
Comment: This sequence change replaces proline, which is neutral and non-polar, with alanine, which is neutral and non-polar, at codon 608 of the MYBPC3 protein (p.Pro608Ala). This variant is present in population databases (no rsID available, gnomAD 0.007%). This variant has not been reported in the literature in individuals affected with MYBPC3-related conditions. ClinVar contains an entry for this variant (Variation ID: 879039). An algorithm developed to predict the effect of missense changes on protein structure and function (PolyPhen-2) suggests that this variant is likely to be disruptive. In summary, the available evidence is currently insufficient to determine the role of this variant in disease. Therefore, it has been classified as a Variant of Uncertain Significance.

Ambry Genetics
Classification: Uncertain significance for Cardiovascular phenotype. Last evaluated: 2025-09-10. Review status: criteria provided, single submitter. Criteria: Ambry Variant Classification Scheme 2023. Collection method: clinical testing. Allele origin: germline.
Comment: The p.P608A variant (also known as c.1822C>G), located in coding exon 19 of the MYBPC3 gene, results from a C to G substitution at nucleotide position 1822. The proline at codon 608 is replaced by alanine, an amino acid with highly similar properties. This amino acid position is highly conserved in available vertebrate species. In addition, the in silico prediction for this alteration is inconclusive. Based on the available evidence, the clinical significance of this variant remains unclear.

Color Diagnostics, LLC DBA Color Health
Classification: Uncertain significance for Cardiomyopathy. Last evaluated: 2025-06-25. Review status: criteria provided, single submitter. Criteria: ACMG Guidelines, 2015. Collection method: clinical testing. Allele origin: germline.
Comment: This missense variant replaces proline with alanine at codon 608 of the MYBPC3 protein. Computational prediction suggests that this variant may not impact protein structure and function. To our knowledge, functional studies have not been reported for this variant. This variant has not been reported in individuals affected with MYBPC3-related disorders in the literature. This variant has been identified in 1/217952 chromosomes in the general population by the Genome Aggregation Database (gnomAD). The available evidence is insufficient to determine the role of this variant in disease conclusively. Therefore, this variant is classified as a Variant of Uncertain Significance.

Illumina Laboratory Services, Illumina
Classification: Uncertain significance for Hypertrophic cardiomyopathy 4. Last evaluated: 2017-04-28. Review status: criteria provided, single submitter. Criteria: ICSL Variant Classification Criteria 13 December 2019. Collection method: clinical testing. Allele origin: germline.

Illumina Laboratory Services, Illumina
Classification: Uncertain significance for Left ventricular noncompaction 10. Last evaluated: 2017-04-28. Review status: criteria provided, single submitter. Criteria: ICSL Variant Classification Criteria 13 December 2019. Collection method: clinical testing. Allele origin: germline.